The following is an entry in ClinVar:

ClinVar aggregate classification (germline): Uncertain significance. Review status: criteria provided, multiple submitters, no conflicts (2 of 4 stars). 2 submissions from 2 submitters: Uncertain significance (2). Last evaluated 2025-08-24.

Conditions:
Inborn genetic diseases. Identifiers: MedGen C0950123, MeSH D030342.
Spastic paraplegia. Identifiers: MedGen C0037772, HP:0001258.

Allele frequency attached by ClinVar (database versions not stated): gnomAD 0.00001; TOPMed 0.00001; ExAC 0.00002; gnomAD exomes 0.00002.
gnomAD v4.1: 42 of 1,613,936 alleles (0.0026%); highest among the groups gnomAD compares: Middle Eastern, 0.016%; no homozygotes.

Submissions (2):

Ambry Genetics
Classification: Uncertain significance for Inborn genetic diseases. Last evaluated: 2025-08-24. Review status: criteria provided, single submitter. Criteria: Ambry Variant Classification Scheme 2023. Collection method: clinical testing. Allele origin: germline.

Labcorp Genetics (formerly Invitae), Labcorp
Classification: Uncertain significance for Spastic paraplegia. Last evaluated: 2025-04-21. Review status: criteria provided, single submitter. Criteria: Invitae Variant Classification Sherloc (09022015). Collection method: clinical testing. Allele origin: germline.
Comment: This sequence change replaces tyrosine, which is neutral and polar, with cysteine, which is neutral and slightly polar, at codon 990 of the AP4E1 protein (p.Tyr990Cys). This variant is present in population databases (rs767786324, gnomAD 0.007%). This variant has not been reported in the literature in individuals affected with AP4E1-related conditions. ClinVar contains an entry for this variant (Variation ID: 1412889). An algorithm developed to predict the effect of missense changes on protein structure and function (PolyPhen-2) suggests that this variant is likely to be disruptive. In summary, the available evidence is currently insufficient to determine the role of this variant in disease. Therefore, it has been classified as a Variant of Uncertain Significance.

NM_007347.5(AP4E1):c.2969A>G (p.Tyr990Cys)

Gene: AP4E1 (adaptor related protein complex 4 subunit epsilon 1; plus strand). Cytogenetic location: 15q21.2.
Variant type: single nucleotide variant.
Coding change: c.2969A>G on transcript NM_007347.5 (MANE Select); coding-DNA position 2969, A replaced by G.
Protein change: p.Tyr990Cys; replaces tyrosine 990 with cysteine.
Molecular consequence: missense variant.
Genome position (GRCh38, 1-based): chr15:50,999,136, A>G. VCF-style: chr15-50999136-A-G. GRCh37 (hg19) VCF-style: chr15-51291333-A-G.
Other names: c.2969A>G (NM_007347.3); c.2744A>G, p.Tyr915Cys (NM_001252127.2); short protein forms Y990C, Y915C.
Identifiers: ClinVar variation 1412889 (VCV001412889.5), dbSNP rs767786324, ClinGen allele CA7559418.